The following is an entry in ClinVar:

NM_001394062.1(MACF1):c.15445G>A (p.Gly5149Ser)

Gene: MACF1 (microtubule actin crosslinking factor 1; plus strand). Cytogenetic location: 1p34.3.
Variant type: single nucleotide variant.
Coding change: c.15445G>A on transcript NM_001394062.1 (MANE Select); coding-DNA position 15445, G replaced by A.
Protein change: p.Gly5149Ser; replaces glycine 5149 with serine.
Molecular consequence: missense variant.
Genome position (GRCh38, 1-based): chr1:39,388,287, G>A. VCF-style: chr1-39388287-G-A. GRCh37 (hg19) VCF-style: chr1-39853959-G-A.
Other names: c.9259G>A, p.Gly3087Ser (NM_012090.5); short protein forms G3087S, G5149S.
Identifiers: ClinVar variation 2081161 (VCV002081161.25), dbSNP rs141166701, ClinGen allele CA782403.

ClinVar aggregate classification (germline): Benign. Review status: criteria provided, multiple submitters, no conflicts (2 of 4 stars). 2 submissions from 2 submitters: Benign (2). Last evaluated 2026-01-19.

Allele frequency attached by ClinVar (database versions not stated): ESP Exome Variant Server 0.00023; TOPMed 0.00023; 1000 Genomes Project 30x 0.00031; 1000 Genomes Project 0.00040; gnomAD exomes 0.00073; ExAC 0.00158; gnomAD 0.00169.
gnomAD v4.1: 1,314 of 1,614,184 alleles (0.081%); highest among the groups gnomAD compares: Non-Finnish European, 0.029%; 16 homozygotes.

Submissions (2):

Labcorp Genetics (formerly Invitae), Labcorp
Classification: Benign. Last evaluated: 2026-01-19. Review status: criteria provided, single submitter. Criteria: Invitae Variant Classification Sherloc (09022015). Collection method: clinical testing. Allele origin: germline.

CeGaT Center for Human Genetics Tuebingen
Classification: Benign. Last evaluated: 2024-03-01. Review status: criteria provided, single submitter. Criteria: CeGaT Center For Human Genetics Tuebingen Variant Classification Criteria Version 2. Collection method: clinical testing. Allele origin: germline. Affected: yes. Observed: 1 variant allele.
Comment: MACF1: BS1, BS2